The following is an entry in ClinVar:

ClinVar aggregate classification (germline): Uncertain significance. Review status: criteria provided, multiple submitters, no conflicts (2 of 4 stars). 2 submissions from 2 submitters: Uncertain significance (2). Last evaluated 2025-08-15.

Conditions:
Inborn genetic diseases. Identifiers: MedGen C0950123, MeSH D030342.

Allele frequency attached by ClinVar (database versions not stated): gnomAD exomes 0.00001; TOPMed 0.00001.
gnomAD v4.1: 14 of 1,613,846 alleles (0.00087%); highest among the groups gnomAD compares: African/African-American, 0.011%; no homozygotes.

Submissions (2):

Ambry Genetics
Classification: Uncertain significance for Inborn genetic diseases. Last evaluated: 2025-08-15. Review status: criteria provided, single submitter. Criteria: Ambry Variant Classification Scheme 2023. Collection method: clinical testing. Allele origin: germline.

Labcorp Genetics (formerly Invitae), Labcorp
Classification: Uncertain significance. Last evaluated: 2024-10-08. Review status: criteria provided, single submitter. Criteria: Invitae Variant Classification Sherloc (09022015). Collection method: clinical testing. Allele origin: germline.
Comment: This sequence change replaces glutamine, which is neutral and polar, with histidine, which is basic and polar, at codon 940 of the ROR2 protein (p.Gln940His). This variant is not present in population databases (gnomAD no frequency). This variant has not been reported in the literature in individuals affected with ROR2-related conditions. ClinVar contains an entry for this variant (Variation ID: 1014903). Invitae Evidence Modeling of protein sequence and biophysical properties (such as structural, functional, and spatial information, amino acid conservation, physicochemical variation, residue mobility, and thermodynamic stability) indicates that this missense variant is not expected to disrupt ROR2 protein function with a negative predictive value of 95%. In summary, the available evidence is currently insufficient to determine the role of this variant in disease. Therefore, it has been classified as a Variant of Uncertain Significance.

NM_004560.4(ROR2):c.2820G>C (p.Gln940His)

Gene: ROR2 (receptor tyrosine kinase like orphan receptor 2; minus strand). Cytogenetic location: 9q22.31.
Variant type: single nucleotide variant.
Coding change: c.2820G>C on transcript NM_004560.4 (MANE Select); coding-DNA position 2820, G replaced by C.
Protein change: p.Gln940His; replaces glutamine 940 with histidine.
Molecular consequence: missense variant.
Genome position (GRCh38, 1-based): chr9:91,723,674, C>G on the plus strand (G>C on the coding strand, the complement: ROR2 is on the minus strand). VCF-style: chr9-91723674-C-G. GRCh37 (hg19) VCF-style: chr9-94485956-C-G.
Other names: c.2820G>C (NM_004560.3); short protein forms Q940H.
Identifiers: ClinVar variation 1014903 (VCV001014903.11), dbSNP rs113793278, ClinGen allele CA195321268.
Genomic context (GRCh38, chr9:91,723,674, plus strand): 5'-GGGGTCTCGGCGGGGCTTCTATCCCCGAACCCCGGGCCCTGGTGCCACTCAAGCTTCCAG[C>G]TGGACTTGGGCCTCGTCCACCTGCAGAGTGTCACAGTCCCCCAGCAGCTCAGTCTCTGGG-3'
Protein context (NP_004551.2, residues 930-943): DTLQVDEAQV[Gln940His]LEA